The following is an entry in ClinVar:

ClinVar aggregate classification (germline): Likely benign (1 of 4 stars; one submission).

Submission:

CeGaT Center for Human Genetics Tuebingen
Classification: Likely benign. Last evaluated: 2025-06-01. Review status: criteria provided, single submitter. Criteria: CeGaT Center For Human Genetics Tuebingen Variant Classification Criteria Version 2. Collection method: clinical testing. Allele origin: germline. Affected: yes. Observed: 2 variant alleles.
Comment: SHANK3: BP4

NM_001372044.2(SHANK3):c.5067C>T (p.Leu1689=)

Gene: SHANK3 (SH3 and multiple ankyrin repeat domains 3; plus strand). Cytogenetic location: 22q13.33.
Variant type: single nucleotide variant.
Coding change: c.5067C>T on transcript NM_001372044.2 (MANE Select); coding-DNA position 5067, C replaced by T.
Protein change: p.Leu1689=; no amino-acid change (leucine 1689 retained).
Molecular consequence: synonymous variant.
Genome position (GRCh38, 1-based): chr22:50,730,958, C>T. VCF-style: chr22-50730958-C-T. GRCh37 (hg19) VCF-style: chr22-51169386-C-T.
Identifiers: ClinVar variation 3905063 (VCV003905063.10).